The following is an entry in ClinVar:

NM_139058.3(ARX):c.679G>A (p.Glu227Lys)

Gene: ARX (aristaless related homeobox; minus strand). Cytogenetic location: Xp21.3.
Variant type: single nucleotide variant.
Coding change: c.679G>A on transcript NM_139058.3 (MANE Select); coding-DNA position 679, G replaced by A.
Protein change: p.Glu227Lys; replaces glutamic acid 227 with lysine.
Molecular consequence: missense variant.
Genome position (GRCh38, 1-based): chrX:25,013,316, C>T on the plus strand (G>A on the coding strand, the complement: ARX is on the minus strand). VCF-style: chrX-25013316-C-T. GRCh37 (hg19) VCF-style: chrX-25031433-C-T.
Other names: short protein forms E227K.
Identifiers: ClinVar variation 4789430 (VCV004789430.1).

ClinVar aggregate classification (germline): Uncertain significance (1 of 4 stars; one submission).

Conditions:
Intellectual disability, X-linked, with or without seizures, ARX-related. Also called: MENTAL RETARDATION, X-LINKED 29; MENTAL RETARDATION, X-LINKED 32; MENTAL RETARDATION, X-LINKED 33; MENTAL RETARDATION, X-LINKED 38; MENTAL RETARDATION, X-LINKED 43; MENTAL RETARDATION, X-LINKED 76. Identifiers: Orphanet 777, MedGen C0796244, MONDO:0010317, OMIM 300419.
Developmental and epileptic encephalopathy, 1 (DEE1). Also called: X-linked infantile spasms; West's syndrome; Tonic spasms with clustering, arrest of psychomotor development and hypsarrhythmia on EEG; X-Linked Infantile Spasm Syndrome; OHTAHARA SYNDROME, X-LINKED; Epileptic encephalopathy, early infantile, 1. Identifiers: MedGen C3463992, MONDO:0010632, OMIM 308350. Disease mechanism: loss of function.

gnomAD v4.1: 1 of 1,154,814 alleles (0.000087%); highest among the groups gnomAD compares: Non-Finnish European, 0.00011%; no homozygotes.

Submission:

Labcorp Genetics (formerly Invitae), Labcorp
Classification: Uncertain significance for Developmental and epileptic encephalopathy, 1; Intellectual disability, X-linked, with or without seizures, ARX-related. Last evaluated: 2025-08-29. Review status: criteria provided, single submitter. Criteria: Invitae Variant Classification Sherloc (09022015). Collection method: clinical testing. Allele origin: germline.
Comment: This sequence change replaces glutamic acid, which is acidic and polar, with lysine, which is basic and polar, at codon 227 of the ARX protein (p.Glu227Lys). This variant is not present in population databases (gnomAD no frequency). This variant has not been reported in the literature in individuals affected with ARX-related conditions. Invitae Evidence Modeling of protein sequence and biophysical properties (such as structural, functional, and spatial information, amino acid conservation, physicochemical variation, residue mobility, and thermodynamic stability) indicates that this missense variant is not expected to disrupt ARX protein function with a negative predictive value of 95%. In summary, the available evidence is currently insufficient to determine the role of this variant in disease. Therefore, it has been classified as a Variant of Uncertain Significance.